The following is an entry in ClinVar:

ClinVar aggregate classification (germline): Likely benign (0 of 4 stars; one submission).

Conditions:
NIPBL-related disorder. Also called: NIPBL-related condition.

Allele frequency attached by ClinVar (database versions not stated): gnomAD exomes below 0.00001.
gnomAD v4.1: 4 of 1,613,828 alleles (0.00025%); highest among the groups gnomAD compares: Non-Finnish European, 0.00034%; no homozygotes.

Submission:

PreventionGenetics, part of Exact Sciences
Classification: Likely benign for NIPBL-related condition. Last evaluated: 2022-09-08. Review status: no assertion criteria provided. Collection method: clinical testing. Allele origin: germline.
Comment: This variant is classified as likely benign based on ACMG/AMP sequence variant interpretation guidelines (Richards et al. 2015 PMID: 25741868, with internal and published modifications).

NM_133433.4(NIPBL):c.7882C>T (p.Leu2628=)

Gene: NIPBL (NIPBL cohesin loading factor; plus strand). Cytogenetic location: 5p13.2.
Variant type: single nucleotide variant.
Coding change: c.7882C>T on transcript NM_133433.4 (MANE Select); coding-DNA position 7882, C replaced by T.
Protein change: p.Leu2628=; no amino-acid change (leucine 2628 retained).
Molecular consequence: synonymous variant.
Genome position (GRCh38, 1-based): chr5:37,063,811, C>T. VCF-style: chr5-37063811-C-T. GRCh37 (hg19) VCF-style: chr5-37063913-C-T.
Other names: c.7882C>T, p.Leu2628= (NM_015384.5).
Identifiers: ClinVar variation 3043758 (VCV003043758.2), dbSNP rs1755074059, ClinGen allele CA444096393.